The following is an entry in ClinVar:

NM_006030.4(CACNA2D2):c.485A>G (p.Tyr162Cys)

Gene: CACNA2D2 (calcium voltage-gated channel auxiliary subunit alpha2delta 2; minus strand). Cytogenetic location: 3p21.31.
Variant type: single nucleotide variant.
Coding change: c.485A>G on transcript NM_006030.4 (MANE Select); coding-DNA position 485, A replaced by G.
Protein change: p.Tyr162Cys; replaces tyrosine 162 with cysteine.
Molecular consequence: missense variant.
Genome position (GRCh38, 1-based): chr3:50,387,593, T>C on the plus strand (A>G on the coding strand, the complement: CACNA2D2 is on the minus strand). VCF-style: chr3-50387593-T-C. GRCh37 (hg19) VCF-style: chr3-50425024-T-C.
Other names: c.485A>G, p.Tyr162Cys (NM_001005505.3, NM_001174051.3, NM_001410768.1); c.278A>G, p.Tyr93Cys (NM_001291101.1); short protein forms Y162C, Y93C.
Identifiers: ClinVar variation 2086499 (VCV002086499.4), dbSNP rs2471049368, ClinGen allele CA352946417.

ClinVar aggregate classification (germline): Uncertain significance (1 of 4 stars; one submission).

Conditions:
Early-infantile DEE. Also called: Ohtahara syndrome; Early infantile epileptic encephalopathy with suppression bursts; Early infantile epileptic encephalopathy. Identifiers: Orphanet 1934, MedGen C0393706, MONDO:0800491.

Submission:

Labcorp Genetics (formerly Invitae), Labcorp
Classification: Uncertain significance for Early-infantile DEE. Last evaluated: 2022-01-16. Review status: criteria provided, single submitter. Criteria: Invitae Variant Classification Sherloc (09022015). Collection method: clinical testing. Allele origin: germline.
Comment: This variant is not present in population databases (gnomAD no frequency). This sequence change replaces tyrosine, which is neutral and polar, with cysteine, which is neutral and slightly polar, at codon 162 of the CACNA2D2 protein (p.Tyr162Cys). This variant has not been reported in the literature in individuals affected with CACNA2D2-related conditions. Algorithms developed to predict the effect of missense changes on protein structure and function are either unavailable or do not agree on the potential impact of this missense change (SIFT: "Deleterious"; PolyPhen-2: "Probably Damaging"; Align-GVGD: "Class C0"). In summary, the available evidence is currently insufficient to determine the role of this variant in disease. Therefore, it has been classified as a Variant of Uncertain Significance.